The following is an entry in ClinVar:

NM_001378414.1(HDAC4):c.2280+3A>C

Gene: HDAC4 (histone deacetylase 4; minus strand). Cytogenetic location: 2q37.3.
Variant type: single nucleotide variant.
Coding change: c.2280+3A>C on transcript NM_001378414.1 (MANE Select); 3 bases into the intron after coding-DNA position 2280, A replaced by C.
Molecular consequence: intron variant.
Genome position (GRCh38, 1-based): chr2:239,095,007, T>G on the plus strand (A>C on the coding strand, the complement: HDAC4 is on the minus strand). VCF-style: chr2-239095007-T-G. GRCh37 (hg19) VCF-style: chr2-240016703-T-G.
Other names: c.2265+3A>C (NM_001378417.1, NM_001378416.1, NM_006037.4); c.2280+3A>C (NM_001378415.1).
Identifiers: ClinVar variation 3381557 (VCV003381557.1).

ClinVar aggregate classification (germline): Uncertain significance (1 of 4 stars; one submission).

Submission:

GeneDx
Classification: Uncertain significance. Last evaluated: 2024-05-24. Review status: criteria provided, single submitter. Criteria: GeneDx Variant Classification Process June 2021. Collection method: clinical testing. Allele origin: germline. Affected: yes.
Comment: Not observed at significant frequency in large population cohorts (gnomAD); In silico analysis supports a deleterious effect on splicing; Has not been previously published as pathogenic or benign to our knowledge